The following is an entry in ClinVar:

ClinVar aggregate classification (germline): Conflicting classifications of pathogenicity. Review status: criteria provided, conflicting classifications (1 of 4 stars). 3 submissions from 3 submitters: Uncertain significance (2); Likely benign (1). Last evaluated 2023-03-23.

Conditions:
Hereditary breast ovarian cancer syndrome. Also called: Hereditary breast and ovarian cancer syndrome (HBOC); Hereditary breast and ovarian cancer syndrome; Breast and ovarian cancer; Hereditary breast and/or ovarian cancer syndrome; Hereditary breast and ovarian cancer; BRCA1- and BRCA2-Associated Hereditary Breast and Ovarian Cancer. Identifiers: Orphanet 145, MedGen C0677776, MeSH D061325, MONDO:0003582. Disease mechanism: loss of function.
Hereditary cancer-predisposing syndrome. Also called: Neoplastic Syndromes, Hereditary; Hereditary Cancer Syndrome; Hereditary neoplastic syndrome; Tumor predisposition. Identifiers: Orphanet 140162, MedGen C0027672, MeSH D009386, MONDO:0015356.

Submissions (3):

University of Washington Department of Laboratory Medicine, University of Washington
Classification: Likely benign for Hereditary cancer-predisposing syndrome. Last evaluated: 2023-03-23. Review status: criteria provided, single submitter. Criteria: Dines et al. (Genet Med. 2020). Collection method: curation. Allele origin: germline.
Comment: Missense variant in a coldspot region where missense variants are very unlikely to be pathogenic (PMID:31911673).

BRCA2 exon 11 coldspot. Reclassification based on statistical prior probability.

Labcorp Genetics (formerly Invitae), Labcorp
Classification: Uncertain significance for Hereditary breast ovarian cancer syndrome. Last evaluated: 2021-08-13. Review status: criteria provided, single submitter. Criteria: Invitae Variant Classification Sherloc (09022015). Collection method: clinical testing. Allele origin: germline.
Comment: This sequence change replaces aspartic acid with glycine at codon 762 of the BRCA2 protein (p.Asp762Gly). The aspartic acid residue is weakly conserved and there is a moderate physicochemical difference between aspartic acid and glycine. This variant is not present in population databases (ExAC no frequency). This missense change has been observed in individual(s) with clinical features of BRCA2-related conditions (PMID: 28039656). ClinVar contains an entry for this variant (Variation ID: 462263). Algorithms developed to predict the effect of missense changes on protein structure and function output the following: SIFT: "Tolerated"; PolyPhen-2: "Benign"; Align-GVGD: "Class C0". The glycine amino acid residue is found in multiple mammalian species, which suggests that this missense change does not adversely affect protein function. In summary, the available evidence is currently insufficient to determine the role of this variant in disease. Therefore, it has been classified as a Variant of Uncertain Significance.

Ambry Genetics
Classification: Uncertain significance for Hereditary cancer-predisposing syndrome. Last evaluated: 2017-01-20. Review status: criteria provided, single submitter. Criteria: Ambry Variant Classification Scheme 2023. Collection method: clinical testing. Allele origin: germline.
Comment: The p.D762G variant (also known as c.2285A>G), located in coding exon 10 of the BRCA2 gene, results from an A to G substitution at nucleotide position 2285. The aspartic acid at codon 762 is replaced by glycine, an amino acid with similar properties. This amino acid position is not well conserved in available vertebrate species. In addition, this alteration is predicted to be tolerated by in silico analysis. Since supporting evidence is limited at this time, the clinical significance of this alteration remains unclear.

Literature cited by the submitters: PubMed 28039656 (cited by Labcorp Genetics (formerly Invitae), Labcorp).

NM_000059.4(BRCA2):c.2285A>G (p.Asp762Gly)

Gene: BRCA2 (BRCA2 DNA repair associated; plus strand). Cytogenetic location: 13q13.1.
Variant type: single nucleotide variant.
Coding change: c.2285A>G on transcript NM_000059.4 (MANE Select); coding-DNA position 2285, A replaced by G.
Protein change: p.Asp762Gly; replaces aspartic acid 762 with glycine.
Molecular consequence: missense variant.
Genome position (GRCh38, 1-based): chr13:32,336,640, A>G. VCF-style: chr13-32336640-A-G. GRCh37 (hg19) VCF-style: chr13-32910777-A-G.
Other names: short protein forms D762G.
Identifiers: ClinVar variation 462263 (VCV000462263.9), dbSNP rs1555282600, ClinGen allele CA387771169.
Genomic context (GRCh38, chr13:32,336,640, plus strand): 5'-AACATTCAAAAGTGGAATACAGTGATACTGACTTTCAATCCCAGAAAAGTCTTTTATATG[A>G]TCATGAAAATGCCAGCACTCTTATTTTAACTCCTACTTCCAAGGATGTTCTGTCAAACCT-3'
Protein context (NP_000050.3, residues 752-772): DFQSQKSLLY[Asp762Gly]HENASTLILT